The following is an entry in ClinVar:

ClinVar aggregate classification (germline): Uncertain significance. Review status: criteria provided, multiple submitters, no conflicts (2 of 4 stars). 6 submissions from 6 submitters: Uncertain significance (5). 1 of the submissions does not count toward it. Last evaluated 2025-11-07.

Conditions:
Inborn genetic diseases. Identifiers: MedGen C0950123, MeSH D030342.
RPGRIP1L-related disorder. Also called: RPGRIP1L-related disorders; RPGRIP1L-related condition. Identifiers: MedGen CN239416.
Joubert syndrome. Also called: Familial aplasia of the vermis; JOUBERT-BOLTSHAUSER SYNDROME. Identifiers: Orphanet 475, MedGen C5979921, MONDO:0018772.
Meckel syndrome, type 5 (MKS5). Identifiers: Orphanet 564, MedGen C1969052, MONDO:0012695, OMIM 611561.
COACH syndrome 3. Identifiers: MedGen C5436841, MONDO:0030862, OMIM 619113.
Joubert syndrome 7 (JBTS7). Identifiers: Orphanet 220497, MedGen C1969053, MONDO:0012694, OMIM 611560.
Meckel-Gruber syndrome. Also called: GRUBER SYNDROME; DYSENCEPHALIA SPLANCHNOCYSTICA; Dysencephalia splachnocystica. Identifiers: Orphanet 564, MedGen C0265215, MONDO:0018921.

Allele frequency attached by ClinVar (database versions not stated): gnomAD exomes below 0.00001; TOPMed below 0.00001.

Submissions (6):

PreventionGenetics, part of Exact Sciences
Classification: Uncertain significance for RPGRIP1L-related condition. Last evaluated: 2025-11-07. Review status: criteria provided, single submitter. Criteria: ACMG Guidelines, 2015. Collection method: clinical testing. Allele origin: germline.
Comment: The RPGRIP1L c.874C>T variant is predicted to result in the amino acid substitution p.Leu292Phe. To our knowledge, this variant has not been reported in the literature or in a large population database (gnomAD), indicating this variant is rare. At this time, the clinical significance of this variant is uncertain due to the absence of conclusive functional and genetic evidence.

Ambry Genetics
Classification: Uncertain significance for Inborn genetic diseases. Last evaluated: 2025-08-31. Review status: criteria provided, single submitter. Criteria: Ambry Variant Classification Scheme 2023. Collection method: clinical testing. Allele origin: germline.

Blueprint Genetics
Classification: Uncertain significance. Last evaluated: 2023-12-29. Review status: criteria provided, single submitter. Criteria: ACMG Guidelines, 2015. Collection method: clinical testing. Allele origin: germline.

Fulgent Genetics
Classification: Uncertain significance for Joubert syndrome 7; Meckel syndrome, type 5; COACH syndrome 3. Last evaluated: 2023-12-28. Review status: criteria provided, single submitter. Criteria: ACMG Guidelines, 2015. Collection method: clinical testing. Allele origin: germline.

Labcorp Genetics (formerly Invitae), Labcorp
Classification: Uncertain significance for Joubert syndrome; Meckel-Gruber syndrome. Last evaluated: 2022-09-01. Review status: criteria provided, single submitter. Criteria: Invitae Variant Classification Sherloc (09022015). Collection method: clinical testing. Allele origin: germline.
Comment: This sequence change replaces leucine, which is neutral and non-polar, with phenylalanine, which is neutral and non-polar, at codon 292 of the RPGRIP1L protein (p.Leu292Phe). This variant is not present in population databases (gnomAD no frequency). This variant has not been reported in the literature in individuals affected with RPGRIP1L-related conditions. ClinVar contains an entry for this variant (Variation ID: 852496). Algorithms developed to predict the effect of missense changes on protein structure and function are either unavailable or do not agree on the potential impact of this missense change (SIFT: "Tolerated"; PolyPhen-2: "Possibly Damaging"; Align-GVGD: "Class C0"). In summary, the available evidence is currently insufficient to determine the role of this variant in disease. Therefore, it has been classified as a Variant of Uncertain Significance.

Natera, Inc.
Classification: Uncertain significance for Joubert syndrome. Last evaluated: 2021-06-08. Review status: no assertion criteria provided. Collection method: clinical testing. Allele origin: germline. Not counted in ClinVar's aggregate classification.

NM_015272.5(RPGRIP1L):c.874C>T (p.Leu292Phe)

Gene: RPGRIP1L (RPGRIP1 like; minus strand). Cytogenetic location: 16q12.2.
Variant type: single nucleotide variant.
Coding change: c.874C>T on transcript NM_015272.5 (MANE Select); coding-DNA position 874, C replaced by T.
Protein change: p.Leu292Phe; replaces leucine 292 with phenylalanine.
Molecular consequence: missense variant.
Genome position (GRCh38, 1-based): chr16:53,675,025, G>A on the plus strand (C>T on the coding strand, the complement: RPGRIP1L is on the minus strand). VCF-style: chr16-53675025-G-A. GRCh37 (hg19) VCF-style: chr16-53708937-G-A.
Other names: c.874C>T, p.Leu292Phe (NM_001127897.4, NM_001308334.3, NM_001330538.2); c.874C>T (NM_015272.4); short protein forms L292F.
Identifiers: ClinVar variation 852496 (VCV000852496.12), dbSNP rs1969042766, ClinGen allele CA395923094.